The following is an entry in ClinVar:

NM_001012339.3(DNAJC21):c.1338T>G (p.Asp446Glu)

Gene: DNAJC21 (DnaJ heat shock protein family (Hsp40) member C21; plus strand). Cytogenetic location: 5p13.2.
Variant type: single nucleotide variant.
Coding change: c.1338T>G on transcript NM_001012339.3 (MANE Select); coding-DNA position 1338, T replaced by G.
Protein change: p.Asp446Glu; replaces aspartic acid 446 with glutamic acid.
Molecular consequence: missense variant.
Genome position (GRCh38, 1-based): chr5:34,950,322, T>G. VCF-style: chr5-34950322-T-G. GRCh37 (hg19) VCF-style: chr5-34950427-T-G.
Other names: c.1473T>G, p.Asp491Glu (NM_194283.4); c.1377T>G, p.Asp459Glu (NM_001348420.2); short protein forms D446E, D459E, D491E.
Identifiers: ClinVar variation 4847117 (VCV004847117.1).

ClinVar aggregate classification (germline): Uncertain significance (1 of 4 stars; one submission).

gnomAD v4.1: 11 of 1,608,914 alleles (0.00068%); highest among the groups gnomAD compares: Non-Finnish European, 0.00093%; no homozygotes.

Submission:

Women's Health and Genetics/Laboratory Corporation of America, LabCorp
Classification: Uncertain significance. Last evaluated: 2026-03-18. Review status: criteria provided, single submitter. Criteria: LabCorp Variant Classification Summary - May 2015. Collection method: clinical testing. Allele origin: germline.
Comment: Variant summary: DNAJC21 c.1338T>G (p.Asp446Glu) results in a conservative amino acid change in the encoded protein sequence. Algorithms developed to predict the effect of missense changes on protein structure and function all suggest that this variant is likely to be tolerated. The variant was absent in 248010 control chromosomes. The available data on variant occurrences in the general population are insufficient to allow any conclusion about variant significance. To our knowledge, no occurrence of c.1338T>G in individuals affected with DNAJC21-related conditions and no experimental evidence demonstrating its impact on protein function have been reported. No submitters have cited clinical-significance assessments for this variant to ClinVar. Based on the evidence outlined above, the variant was classified as uncertain significance.